The following is an entry in ClinVar:

NM_000535.7(PMS2):c.2195C>A (p.Thr732Asn)

Gene: PMS2 (PMS1 homolog 2, mismatch repair system component; minus strand). Cytogenetic location: 7p22.1.
Variant type: single nucleotide variant.
Coding change: c.2195C>A on transcript NM_000535.7 (MANE Select); coding-DNA position 2195, C replaced by A.
Protein change: p.Thr732Asn; replaces threonine 732 with asparagine.
Molecular consequence: missense variant. On other transcripts: non-coding transcript variant (1), intron variant (2).
Genome position (GRCh38, 1-based): chr7:5,978,676, G>T on the plus strand (C>A on the coding strand, the complement: PMS2 is on the minus strand). VCF-style: chr7-5978676-G-T. GRCh37 (hg19) VCF-style: chr7-6018307-G-T.
Other names: c.1871C>A, p.Thr624Asn (NM_001406884.1); c.1790C>A, p.Thr597Asn (NM_001406889.1, NM_001406887.1, NM_001406888.1 and 15 more transcripts); c.1829C>A, p.Thr610Asn (NM_001406886.1); c.1859C>A, p.Thr620Asn (NM_001406885.1); c.2039C>A, p.Thr680Asn (NM_001322006.2, NM_001406870.1); c.1877C>A, p.Thr626Asn (NM_001322007.2, NM_001322008.2, NM_001406876.1 and 1 more transcripts); c.1634C>A, p.Thr545Asn (NM_001322010.2, NM_001406906.1, NM_001406907.1); c.1262C>A, p.Thr421Asn (NM_001322011.2, NM_001322012.2); and 16 more; short protein forms T331N, T475N, T597N, T620N, T629N, T732N, T561N, T574N.
Identifiers: ClinVar variation 2566067 (VCV002566067.2), dbSNP rs2128683662, ClinGen allele CA366736880.

ClinVar aggregate classification (germline): Uncertain significance (1 of 4 stars; one submission).

Conditions:
Hereditary cancer-predisposing syndrome. Also called: Neoplastic Syndromes, Hereditary; Hereditary Cancer Syndrome; Hereditary neoplastic syndrome; Tumor predisposition. Identifiers: Orphanet 140162, MedGen C0027672, MeSH D009386, MONDO:0015356.

Submission:

Ambry Genetics
Classification: Uncertain significance for Hereditary cancer-predisposing syndrome. Last evaluated: 2023-03-18. Review status: criteria provided, single submitter. Criteria: Ambry Variant Classification Scheme 2023. Collection method: clinical testing. Allele origin: germline.
Comment: The p.T732N variant (also known as c.2195C>A), located in coding exon 13 of the PMS2 gene, results from a C to A substitution at nucleotide position 2195. The threonine at codon 732 is replaced by asparagine, an amino acid with similar properties. This amino acid position is conserved. In addition, the in silico prediction for this alteration is inconclusive. Since supporting evidence is limited at this time, the clinical significance of this alteration remains unclear.